The following is an entry in ClinVar:

ClinVar aggregate classification (germline): Uncertain significance (1 of 4 stars; one submission).

Allele frequency attached by ClinVar (database versions not stated): gnomAD exomes 0.00003; ExAC 0.00005.
gnomAD v4.1: 15 of 1,612,600 alleles (0.00093%); highest among the groups gnomAD compares: Non-Finnish European, 0.0011%; no homozygotes.

Submission:

Labcorp Genetics (formerly Invitae), Labcorp
Classification: Uncertain significance. Last evaluated: 2022-05-31. Review status: criteria provided, single submitter. Criteria: Invitae Variant Classification Sherloc (09022015). Collection method: clinical testing. Allele origin: germline.
Comment: This sequence change replaces tryptophan, which is neutral and slightly polar, with cysteine, which is neutral and slightly polar, at codon 1671 of the COL11A1 protein (p.Trp1671Cys). This variant is present in population databases (rs746882221, gnomAD 0.006%). This variant has not been reported in the literature in individuals affected with COL11A1-related conditions. Advanced modeling of protein sequence and biophysical properties (such as structural, functional, and spatial information, amino acid conservation, physicochemical variation, residue mobility, and thermodynamic stability) performed at Invitae indicates that this missense variant is expected to disrupt COL11A1 protein function. In summary, the available evidence is currently insufficient to determine the role of this variant in disease. Therefore, it has been classified as a Variant of Uncertain Significance.

NM_001854.4(COL11A1):c.5013G>T (p.Trp1671Cys)

Gene: COL11A1 (collagen type XI alpha 1 chain; minus strand). Cytogenetic location: 1p21.1.
Variant type: single nucleotide variant.
Coding change: c.5013G>T on transcript NM_001854.4 (MANE Select); coding-DNA position 5013, G replaced by T.
Protein change: p.Trp1671Cys; replaces tryptophan 1671 with cysteine.
Molecular consequence: missense variant. On other transcripts: non-coding transcript variant (1).
Genome position (GRCh38, 1-based): chr1:102,881,724, C>A on the plus strand (G>T on the coding strand, the complement: COL11A1 is on the minus strand). VCF-style: chr1-102881724-C-A. GRCh37 (hg19) VCF-style: chr1-103347280-C-A.
Other names: c.4665G>T, p.Trp1555Cys (NM_001168249.1, NM_080630.4); c.4896G>T, p.Trp1632Cys (NM_001190709.2); c.5049G>T, p.Trp1683Cys (NM_080629.3); short protein forms W1555C, W1671C, W1683C, W1632C.
Identifiers: ClinVar variation 2001524 (VCV002001524.4), dbSNP rs746882221, ClinGen allele CA973346.